The following is an entry in ClinVar:

ClinVar aggregate classification (germline): Uncertain significance (1 of 4 stars; one submission).

gnomAD v4.1: 3 of 1,613,974 alleles (0.00019%); highest among the groups gnomAD compares: Non-Finnish European, 0.00025%; no homozygotes.

Submission:

Labcorp Genetics (formerly Invitae), Labcorp
Classification: Uncertain significance. Last evaluated: 2025-02-10. Review status: criteria provided, single submitter. Criteria: Invitae Variant Classification Sherloc (09022015). Collection method: clinical testing. Allele origin: germline.
Comment: This sequence change replaces tyrosine, which is neutral and polar, with cysteine, which is neutral and slightly polar, at codon 635 of the NLRP1 protein (p.Tyr635Cys). This variant is not present in population databases (gnomAD no frequency). This variant has not been reported in the literature in individuals affected with NLRP1-related conditions. An algorithm developed to predict the effect of missense changes on protein structure and function outputs the following: PolyPhen-2: "Benign". The cysteine amino acid residue is found in multiple mammalian species, which suggests that this missense change does not adversely affect protein function. In summary, the available evidence is currently insufficient to determine the role of this variant in disease. Therefore, it has been classified as a Variant of Uncertain Significance.

NM_033004.4(NLRP1):c.1904A>G (p.Tyr635Cys)

Gene: NLRP1 (NLR family pyrin domain containing 1; minus strand). Cytogenetic location: 17p13.2.
Variant type: single nucleotide variant.
Coding change: c.1904A>G on transcript NM_033004.4 (MANE Select); coding-DNA position 1904, A replaced by G.
Protein change: p.Tyr635Cys; replaces tyrosine 635 with cysteine.
Molecular consequence: missense variant.
Genome position (GRCh38, 1-based): chr17:5,558,792, T>C on the plus strand (A>G on the coding strand, the complement: NLRP1 is on the minus strand). VCF-style: chr17-5558792-T-C. GRCh37 (hg19) VCF-style: chr17-5462112-T-C.
Other names: c.1904A>G, p.Tyr635Cys (NM_001033053.3, NM_014922.5, NM_033006.4 and 1 more transcripts); short protein forms Y635C.
Identifiers: ClinVar variation 4781346 (VCV004781346.1).